The following is an entry in ClinVar:

NM_002769.5(PRSS1):c.656G>C (p.Gly219Ala)

Genes: PRSS1 (serine protease 1; plus strand), TRB (T cell receptor beta locus; plus strand). Cytogenetic location: 7q34.
Variant type: single nucleotide variant.
Coding change: c.656G>C on transcript NM_002769.5 (MANE Select); coding-DNA position 656, G replaced by C.
Protein change: p.Gly219Ala; replaces glycine 219 with alanine.
Molecular consequence: missense variant. On other transcripts: non-coding transcript variant (5).
Genome position (GRCh38, 1-based): chr7:142,752,932, G>C. VCF-style: chr7-142752932-G-C. GRCh37 (hg19) VCF-style: chr7-142460783-G-C.
Other names: short protein forms G219A.
Identifiers: ClinVar variation 3310659 (VCV003310659.1).

ClinVar aggregate classification (germline): Uncertain significance (1 of 4 stars; one submission).

Conditions:
Hereditary pancreatitis (PCTT). Also called: PRSS1-Related Hereditary Pancreatitis; Hereditary chronic pancreatitis. Identifiers: Orphanet 676, MedGen C0238339, MONDO:0008185, OMIM 167800.

Submission:

Ambry Genetics
Classification: Uncertain significance for Hereditary pancreatitis. Last evaluated: 2024-06-01. Review status: criteria provided, single submitter. Criteria: Ambry Variant Classification Scheme 2023. Collection method: clinical testing. Allele origin: germline.
Comment: The p.G219A variant (also known as c.656G>C), located in coding exon 5 of the PRSS1 gene, results from a G to C substitution at nucleotide position 656. The glycine at codon 219 is replaced by alanine, an amino acid with similar properties. This amino acid position is conserved. In addition, this alteration is predicted to be deleterious by in silico analysis. Based on the available evidence, the clinical significance of this variant remains unclear.